The following is an entry in ClinVar:

ClinVar aggregate classification (germline): Likely benign. Review status: criteria provided, multiple submitters, no conflicts (2 of 4 stars). 4 submissions from 4 submitters: Likely benign (2). 2 of the submissions do not count toward it. Last evaluated 2026-01-26.

Conditions:
Arthrogryposis multiplex congenita 6. Identifiers: MedGen C5543431, MONDO:0030281, OMIM 619334.
Nemaline myopathy 2 (NEM2). Also called: Nemaline myopathy 2, autosomal recessive. Identifiers: MedGen C1850569, MONDO:0009725, OMIM 256030.
NEB-related disorder. Also called: NEB-related condition; NEB-Related Disorders.

Allele frequency attached by ClinVar (database versions not stated): gnomAD 0.00005 and 0.00006; ExAC 0.00008; ESP Exome Variant Server 0.00008; gnomAD exomes 0.00008 and 0.00015; TOPMed 0.00009; 1000 Genomes Project 30x 0.00016; 1000 Genomes Project 0.00020.
gnomAD v4.1: 223 of 1,571,646 alleles (0.014%); highest among the groups gnomAD compares: Non-Finnish European, 0.018%; no homozygotes.

Submissions (4):

Labcorp Genetics (formerly Invitae), Labcorp
Classification: Likely benign for Nemaline myopathy 2. Last evaluated: 2026-01-26. Review status: criteria provided, single submitter. Criteria: Invitae Variant Classification Sherloc (09022015). Collection method: clinical testing. Allele origin: germline.

Fulgent Genetics
Classification: Likely benign for Nemaline myopathy 2; Arthrogryposis multiplex congenita 6. Last evaluated: 2021-07-07. Review status: criteria provided, single submitter. Criteria: ACMG Guidelines, 2015. Collection method: clinical testing. Allele origin: unknown.

Natera, Inc.
Classification: Uncertain significance for Nemaline myopathy type 2. Last evaluated: 2020-01-24. Review status: no assertion criteria provided. Collection method: clinical testing. Allele origin: germline. Not counted in ClinVar's aggregate classification.

PreventionGenetics, part of Exact Sciences
Classification: Likely benign for NEB-related condition. Last evaluated: 2019-12-23. Review status: no assertion criteria provided. Collection method: clinical testing. Allele origin: germline. Not counted in ClinVar's aggregate classification.
Comment: This variant is classified as likely benign based on ACMG/AMP sequence variant interpretation guidelines (Richards et al. 2015 PMID: 25741868, with internal and published modifications).

NM_001164508.2(NEB):c.1675-4C>G

Gene: NEB (nebulin; minus strand). Cytogenetic location: 2q23.3.
Variant type: single nucleotide variant.
Coding change: c.1675-4C>G on transcript NM_001164508.2 (MANE Select); 4 bases into the intron before coding-DNA position 1675, C replaced by G.
Molecular consequence: intron variant.
Genome position (GRCh38, 1-based): chr2:151,694,633, G>C on the plus strand (C>G on the coding strand, the complement: NEB is on the minus strand). VCF-style: chr2-151694633-G-C. GRCh37 (hg19) VCF-style: chr2-152551147-G-C.
Other names: c.1675-4C>G (NM_004543.5, NM_001164507.2, NM_001271208.2).
Identifiers: ClinVar variation 703575 (VCV000703575.17), dbSNP rs369915027, ClinGen allele CA1911470.